The following is an entry in ClinVar:

ClinVar aggregate classification (germline): Pathogenic (1 of 4 stars; one submission).

Conditions:
Neurofibromatosis, type 1 (NF1). Also called: VON RECKLINGHAUSEN DISEASE; Peripheral type neurofibromatosis; Neurofibromatosis, type I; NEUROFIBROMATOSIS, TYPE I, SOMATIC. Identifiers: Orphanet 636, MedGen C0027831, MONDO:0018975, OMIM 162200. Disease mechanism: loss of function.

Submission:

Labcorp Genetics (formerly Invitae), Labcorp
Classification: Pathogenic for Neurofibromatosis, type 1. Last evaluated: 2022-12-31. Review status: criteria provided, single submitter. Criteria: Invitae Variant Classification Sherloc (09022015). Collection method: clinical testing. Allele origin: germline.
Comment: For these reasons, this variant has been classified as Pathogenic. Algorithms developed to predict the effect of missense changes on protein structure and function are either unavailable or do not agree on the potential impact of this missense change (SIFT: "Not Available"; PolyPhen-2: "Probably Damaging"; Align-GVGD: "Not Available"). This missense change has been observed in individual(s) with neurofibromatosis type 1 (PMID: 27838393, 32575496; Invitae). Information on the frequency of this variant in the gnomAD database is not available, as this variant may be reported differently in the database. This sequence change replaces leucine, which is neutral and non-polar, with proline, which is neutral and non-polar, at codon 1957 of the NF1 protein (p.Leu1957Pro).

Literature cited by the submitters: PubMed 27838393; PubMed 32575496.

NM_001042492.3(NF1):c.5933_5934delinsCT (p.Leu1978Pro)

Gene: NF1 (neurofibromin 1; plus strand). Cytogenetic location: 17q11.2.
Variant type: Indel.
Coding change: c.5933_5934delinsCT on transcript NM_001042492.3 (MANE Select); coding-DNA positions 5933 to 5934, TG replaced by CT.
Protein change: p.Leu1978Pro; replaces leucine 1978 with proline.
Molecular consequence: missense variant.
Genome position (GRCh38, 1-based): chr17:31,334,958-31,334,959, TG replaced by CT. VCF-style: chr17-31334958-TG-CT. GRCh37 (hg19) VCF-style: chr17-29661976-TG-CT.
Other names: c.5870_5871delTGinsCT, p.Leu1957Pro (NM_000267.4); short protein forms L1978P, L1957P.
Identifiers: ClinVar variation 2825561 (VCV002825561.3), dbSNP rs2508737114, ClinGen allele CA2739267485.